The following is an entry in ClinVar:

ClinVar aggregate classification (germline): Likely benign (1 of 4 stars; one submission).

Allele frequency attached by ClinVar (database versions not stated): gnomAD exomes below 0.00001; gnomAD 0.00001; TOPMed 0.00001 and below 0.00001; ExAC 0.00001.
gnomAD v4.1: 5 of 1,611,682 alleles (0.00031%); highest among the groups gnomAD compares: African/African-American, 0.0013%; no homozygotes.

Submission:

GeneDx
Classification: Likely benign. Last evaluated: 2018-04-25. Review status: criteria provided, single submitter. Criteria: GeneDx Variant Classification (06012015). Collection method: clinical testing. Allele origin: germline. Affected: yes.
Comment: This variant is considered likely benign or benign based on one or more of the following criteria: it is a conservative change, it occurs at a poorly conserved position in the protein, it is predicted to be benign by multiple in silico algorithms, and/or has population frequency not consistent with disease.

NM_004369.4(COL6A3):c.7030-14T>C

Gene: COL6A3 (collagen type VI alpha 3 chain; minus strand). Cytogenetic location: 2q37.3.
Variant type: single nucleotide variant.
Coding change: c.7030-14T>C on transcript NM_004369.4 (MANE Select); 14 bases into the intron before coding-DNA position 7030, T replaced by C.
Molecular consequence: intron variant.
Genome position (GRCh38, 1-based): chr2:237,346,579, A>G on the plus strand (T>C on the coding strand, the complement: COL6A3 is on the minus strand). VCF-style: chr2-237346579-A-G. GRCh37 (hg19) VCF-style: chr2-238255222-A-G.
Other names: c.5209-14T>C (NM_057166.5); c.6412-14T>C (NM_057167.4).
Identifiers: ClinVar variation 682324 (VCV000682324.1), dbSNP rs759502121, ClinGen allele CA2187953.